The following is an entry in ClinVar:

ClinVar aggregate classification (germline): Benign. Review status: criteria provided, multiple submitters, no conflicts (2 of 4 stars). 10 submissions from 10 submitters: Benign (8). 2 of the submissions do not count toward it. Last evaluated 2026-02-04.

Conditions:
Charcot-Marie-Tooth disease type 4. Also called: Charcot-Marie-Tooth disease, type IV; Charcot-Marie-Tooth, Type 4. Identifiers: Orphanet 64749, MedGen C4082197, MONDO:0018995.
Charcot-Marie-Tooth disease. Also called: Charcot-Marie-Tooth Hereditary Neuropathy; Charcot-Marie-Tooth Neuropathy. Identifiers: Orphanet 166, MedGen C0007959, MONDO:0015626.
Charcot-Marie-Tooth disease type 4H (CMT4H). Also called: CHARCOT-MARIE-TOOTH DISEASE, DEMYELINATING, TYPE 4H; CHARCOT-MARIE-TOOTH DISEASE, AUTOSOMAL RECESSIVE, TYPE 4H; CHARCOT-MARIE-TOOTH DISEASE, DEMYELINATING, AUTOSOMAL RECESSIVE, TYPE 4H; CHARCOT-MARIE-TOOTH NEUROPATHY, TYPE 4H. Identifiers: Orphanet 99954, MedGen C1836336, MONDO:0012250, OMIM 609311.

Allele frequency attached by ClinVar (database versions not stated): 1000 Genomes Project 0.26518; 1000 Genomes Project 30x 0.26562; gnomAD 0.27488 and 0.27665; TOPMed 0.27901; ESP Exome Variant Server 0.28756; gnomAD exomes 0.29346 and 0.29828; ExAC 0.29555.
gnomAD v4.1: 478,326 of 1,613,716 alleles (30%); highest among the groups gnomAD compares: South Asian, 41%; 72,762 homozygotes.

Submissions (10):

Labcorp Genetics (formerly Invitae), Labcorp
Classification: Benign for Charcot-Marie-Tooth disease type 4. Last evaluated: 2026-02-04. Review status: criteria provided, single submitter. Criteria: Invitae Variant Classification Sherloc (09022015). Collection method: clinical testing. Allele origin: germline.

Genome-Nilou Lab
Classification: Benign for Charcot-Marie-Tooth disease type 4H. Last evaluated: 2021-08-10. Review status: criteria provided, single submitter. Criteria: ACMG Guidelines, 2015. Collection method: clinical testing. Allele origin: germline. Affected: no.

Illumina Laboratory Services, Illumina
Classification: Benign for Charcot-Marie-Tooth disease type 4H. Last evaluated: 2018-01-12. Review status: criteria provided, single submitter. Criteria: ICSL Variant Classification Criteria 13 December 2019. Collection method: clinical testing. Allele origin: germline.
Comment: This variant was observed in the ICSL laboratory as part of a predisposition screen in an ostensibly healthy population. It had not been previously curated by ICSL or reported in the Human Gene Mutation Database (HGMD: prior to June 1st, 2018), and was therefore a candidate for classification through an automated scoring system. Utilizing variant allele frequency, disease prevalence and penetrance estimates, and inheritance mode, an automated score was calculated to assess if this variant is too frequent to cause the disease. Based on the score and internal cut-off values, a variant classified as benign is not then subjected to further curation. The score for this variant resulted in a classification of benign for this disease.

Athena Diagnostics
Classification: Benign. Last evaluated: 2017-07-26. Review status: criteria provided, single submitter. Criteria: Athena Diagnostics Criteria. Collection method: clinical testing. Allele origin: germline.

Mayo Clinic Laboratories, Mayo Clinic
Classification: Benign. Last evaluated: 2015-08-24. Review status: criteria provided, single submitter. Criteria: ACMG Guidelines, 2015. Collection method: clinical testing. Allele origin: germline. Observed: 1,040 variant alleles.

GeneDx
Classification: Benign. Last evaluated: 2013-12-11. Review status: criteria provided, single submitter. Criteria: GeneDx Variant Classification (06012015). Collection method: clinical testing. Allele origin: germline. Affected: yes.
Comment: This variant is considered likely benign or benign based on one or more of the following criteria: it is a conservative change, it occurs at a poorly conserved position in the protein, it is predicted to be benign by multiple in silico algorithms, and/or has population frequency not consistent with disease.

Breakthrough Genomics
Classification: Benign. Review status: criteria provided, single submitter. Criteria: ACMG Guidelines, 2015. Collection method: not provided. Allele origin: germline. Inheritance: Autosomal recessive inheritance. Affected: yes.

Molecular Genetics Laboratory, London Health Sciences Centre
Classification: Benign for Charcot-Marie-Tooth disease. Review status: criteria provided, single submitter. Criteria: ACMG Guidelines, 2015. Collection method: clinical testing. Allele origin: germline. Affected: yes.

Clinical Genetics, Academic Medical Center
Classification: Benign. Review status: no assertion criteria provided. Collection method: clinical testing. Allele origin: germline. Affected: yes. Study: VKGL Data-share Consensus. Not counted in ClinVar's aggregate classification.

Diagnostic Laboratory, Department of Genetics, University Medical Center Groningen
Classification: Benign for Charcot-Marie-Tooth disease type 4H. Review status: no assertion criteria provided. Collection method: clinical testing. Allele origin: germline. Affected: yes. Study: VKGL Data-share Consensus. Not counted in ClinVar's aggregate classification.

NM_001370298.3(FGD4):c.1716G>A (p.Arg572=)

Gene: FGD4 (FYVE, RhoGEF and PH domain containing 4; plus strand). Cytogenetic location: 12p11.21.
Variant type: single nucleotide variant.
Coding change: c.1716G>A on transcript NM_001370298.3 (MANE Select); coding-DNA position 1716, G replaced by A.
Protein change: p.Arg572=; no amino-acid change (arginine 572 retained).
Molecular consequence: synonymous variant.
Genome position (GRCh38, 1-based): chr12:32,611,250, G>A. VCF-style: chr12-32611250-G-A. GRCh37 (hg19) VCF-style: chr12-32764184-G-A.
Other names: p.R435R:CGG>CGA; p.Arg435=; c.1560G>A, p.Arg520= (NM_001304481.2); c.561G>A, p.Arg187= (NM_001304483.2); c.273G>A, p.Arg91= (NM_001304484.2); c.1026G>A, p.Arg342= (NM_001330373.2, NM_001330374.2, NM_001384130.1); c.753G>A, p.Arg251= (NM_001370297.1); c.1716G>A, p.Arg572= (NM_001384126.1); and 1 more.
Identifiers: ClinVar variation 137368 (VCV000137368.21), dbSNP rs10844253, ClinGen allele CA290926.